The following is an entry in ClinVar:

ClinVar aggregate classification (germline): Uncertain significance. Review status: criteria provided, multiple submitters, no conflicts (2 of 4 stars). 2 submissions from 2 submitters: Uncertain significance (2). Last evaluated 2026-01-07.

Conditions:
Inborn genetic diseases. Identifiers: MedGen C0950123, MeSH D030342.

Allele frequency attached by ClinVar (database versions not stated): ExAC 0.00003; TOPMed 0.00004; gnomAD 0.00005 and 0.00006.
gnomAD v4.1: 67 of 1,613,952 alleles (0.0042%); highest among the groups gnomAD compares: Non-Finnish European, 0.0052%; no homozygotes.

Submissions (2):

Labcorp Genetics (formerly Invitae), Labcorp
Classification: Uncertain significance. Last evaluated: 2026-01-07. Review status: criteria provided, single submitter. Criteria: Invitae Variant Classification Sherloc (09022015). Collection method: clinical testing. Allele origin: germline.
Comment: This sequence change replaces arginine, which is basic and polar, with histidine, which is basic and polar, at codon 147 of the NLRP1 protein (p.Arg147His). This variant is present in population databases (rs200634854, gnomAD 0.005%). This variant has not been reported in the literature in individuals affected with NLRP1-related conditions. ClinVar contains an entry for this variant (Variation ID: 1387195). An algorithm developed to predict the effect of missense changes on protein structure and function outputs the following: PolyPhen-2: "Benign". The histidine amino acid residue is found in multiple mammalian species, which suggests that this missense change does not adversely affect protein function. In summary, the available evidence is currently insufficient to determine the role of this variant in disease. Therefore, it has been classified as a Variant of Uncertain Significance.

Ambry Genetics
Classification: Uncertain significance for Inborn genetic diseases. Last evaluated: 2021-09-01. Review status: criteria provided, single submitter. Criteria: Ambry Variant Classification Scheme 2023. Collection method: clinical testing. Allele origin: germline.

NM_033004.4(NLRP1):c.440G>A (p.Arg147His)

Gene: NLRP1 (NLR family pyrin domain containing 1; minus strand). Cytogenetic location: 17p13.2.
Variant type: single nucleotide variant.
Coding change: c.440G>A on transcript NM_033004.4 (MANE Select); coding-DNA position 440, G replaced by A.
Protein change: p.Arg147His; replaces arginine 147 with histidine.
Molecular consequence: missense variant.
Genome position (GRCh38, 1-based): chr17:5,582,678, C>T on the plus strand (G>A on the coding strand, the complement: NLRP1 is on the minus strand). VCF-style: chr17-5582678-C-T. GRCh37 (hg19) VCF-style: chr17-5485998-C-T.
Other names: c.440G>A, p.Arg147His (NM_001033053.3, NM_014922.5, NM_033006.4 and 1 more transcripts); c.440G>A (NM_033004.3); short protein forms R147H.
Identifiers: ClinVar variation 1387195 (VCV001387195.7), dbSNP rs200634854, ClinGen allele CA8327578.